The following is an entry in ClinVar:

ClinVar aggregate classification (germline): Pathogenic/Likely pathogenic. Review status: criteria provided, multiple submitters, no conflicts (2 of 4 stars). 3 submissions from 3 submitters: Pathogenic (1); Likely pathogenic (2). Last evaluated 2026-01-16.

Conditions:
Intellectual developmental disorder with microcephaly and with or without ocular malformations or hypogonadotropic hypogonadism. Also called: Coffin-Siris Syndrome 9; Intellectual disability, autosomal dominant 27. Identifiers: Orphanet 1465, MedGen C4014528, MONDO:0014376, OMIM 615866.
SOX11-related disorder. Also called: SOX11-related condition.
Hypogonadotropic hypogonadism. Also called: Low gonadotropins (secondary hypogonadism); Hypogonadotrophic hypogonadism; Isolated hypogonadotropic hypogonadism; Hypogonadotropic hypogonadism with or without anosmia. Identifiers: Orphanet 432, MedGen C0271623, MONDO:0018555, HP:0000044.

Submissions (3):

Variantyx, Inc.
Classification: Likely pathogenic for Intellectual developmental disorder with microcephaly and with or without ocular malformations or hypogonadotropic hypogonadism. Last evaluated: 2026-01-16. Review status: criteria provided, single submitter. Criteria: Variantyx Assertion Criteria 2022. Collection method: clinical testing. Allele origin: germline. Inheritance: Autosomal dominant inheritance. Affected: yes.
Comment: This is a nonsynonymous variant in the SOX11 gene (OMIM: 600898). Pathogenic variants in this gene have been associated with autosomal dominant intellectual developmental disorder with microcephaly and with or without ocular malformations or hypogonadotropic hypogonadism. This variant has been reported in at least two unrelated affected individuals (PMID: 39290158, 39333428) (PS4_Moderate). This variant lies within a known hotspot for pathogenic variants or a well-established critical functional domain of the SOX11 protein (PMID: 39290158) (PM1), and multiple computational algorithms predict a deleterious effect for this variant (REVEL score: 0.908) (PP3). This variant is absent from control populations (PM2). Based on the current evidence, this variant is classified as likely pathogenic for autosomal dominant intellectual developmental disorder with microcephaly and with or without ocular malformations or hypogonadotropic hypogonadism.

Reproductive Endocrine Unit, Massachusetts General Hospital
Classification: Pathogenic for HYPOGONADOTROPIC HYPOGONADISM. Last evaluated: 2024-06-25. Review status: criteria provided, single submitter. Criteria: ACMG Guidelines, 2015. Collection method: research. Allele origin: de novo. Affected: yes.
Comment: PS2,PM1,PM2,PM5,PP3

Blueprint Genetics
Classification: Likely pathogenic for SOX11-related disorders. Last evaluated: 2020-01-23. Review status: criteria provided, single submitter. Criteria: ACMG Guidelines, 2015. Collection method: clinical testing. Allele origin: de novo. Affected: yes. Observed: 1 variant allele.

Literature cited by the submitters: PubMed 3929015 (cited by Variantyx, Inc.); PubMed 39290158 (cited by Variantyx, Inc.); PubMed 39333428 (cited by Variantyx, Inc.).

NM_003108.4(SOX11):c.251G>A (p.Gly84Asp)

Gene: SOX11 (SRY-box transcription factor 11; plus strand). Cytogenetic location: 2p25.2.
Variant type: single nucleotide variant.
Coding change: c.251G>A on transcript NM_003108.4 (MANE Select); coding-DNA position 251, G replaced by A.
Protein change: p.Gly84Asp; replaces glycine 84 with aspartic acid.
Molecular consequence: missense variant.
Genome position (GRCh38, 1-based): chr2:5,692,972, G>A. VCF-style: chr2-5692972-G-A. GRCh37 (hg19) VCF-style: chr2-5833104-G-A.
Other names: short protein forms G84D.
Identifiers: ClinVar variation 3251954 (VCV003251954.3), dbSNP rs2465087457.
Genomic context (GRCh38, chr2:5,692,972, plus strand): 5'-GCAGGAAGATCATGGAGCAGTCTCCGGACATGCACAACGCCGAGATCTCCAAGAGGCTGG[G>A]CAAGCGCTGGAAAATGCTGAAGGACAGCGAGAAGATCCCGTTCATCCGGGAGGCGGAGCG-3'
Protein context (NP_003099.1, residues 74-94): MHNAEISKRL[Gly84Asp]KRWKMLKDSE